The following is an entry in ClinVar:

ClinVar aggregate classification (germline): Uncertain significance. Review status: criteria provided, multiple submitters, no conflicts (2 of 4 stars). 2 submissions from 2 submitters: Uncertain significance (2). Last evaluated 2025-06-28.

Conditions:
Cardiovascular phenotype. Identifiers: MedGen CN230736.

Allele frequency attached by ClinVar (database versions not stated): gnomAD exomes below 0.00001; TOPMed below 0.00001.
gnomAD v4.1: 5 of 1,613,920 alleles (0.00031%); highest among the groups gnomAD compares: African/African-American, 0.0013%; no homozygotes.

Submissions (2):

Ambry Genetics
Classification: Uncertain significance for Cardiovascular phenotype. Last evaluated: 2025-06-28. Review status: criteria provided, single submitter. Criteria: Ambry Variant Classification Scheme 2023. Collection method: clinical testing. Allele origin: germline.
Comment: The p.I118V variant (also known as c.352A>G), located in coding exon 8 of the MFAP5 gene, results from an A to G substitution at nucleotide position 352. The isoleucine at codon 118 is replaced by valine, an amino acid with highly similar properties. This amino acid position is conserved. In addition, this alteration is predicted to be tolerated by in silico analysis. Since supporting evidence is limited at this time, the clinical significance of this alteration remains unclear.

Labcorp Genetics (formerly Invitae), Labcorp
Classification: Uncertain significance. Last evaluated: 2024-12-12. Review status: criteria provided, single submitter. Criteria: Invitae Variant Classification Sherloc (09022015). Collection method: clinical testing. Allele origin: germline.
Comment: This sequence change replaces isoleucine, which is neutral and non-polar, with valine, which is neutral and non-polar, at codon 118 of the MFAP5 protein (p.Ile118Val). This variant is present in population databases (rs770619503, gnomAD 0.003%). This variant has not been reported in the literature in individuals affected with MFAP5-related conditions. ClinVar contains an entry for this variant (Variation ID: 2448115). An algorithm developed to predict the effect of missense changes on protein structure and function outputs the following: PolyPhen-2: "Benign". The valine amino acid residue is found in multiple mammalian species, which suggests that this missense change does not adversely affect protein function. In summary, the available evidence is currently insufficient to determine the role of this variant in disease. Therefore, it has been classified as a Variant of Uncertain Significance.

NM_003480.4(MFAP5):c.352A>G (p.Ile118Val)

Gene: MFAP5 (microfibril associated protein 5; minus strand). Cytogenetic location: 12p13.31.
Variant type: single nucleotide variant.
Coding change: c.352A>G on transcript NM_003480.4 (MANE Select); coding-DNA position 352, A replaced by G.
Protein change: p.Ile118Val; replaces isoleucine 118 with valine.
Molecular consequence: missense variant. On other transcripts: non-coding transcript variant (2), intron variant (1).
Genome position (GRCh38, 1-based): chr12:8,649,558, T>C on the plus strand (A>G on the coding strand, the complement: MFAP5 is on the minus strand). VCF-style: chr12-8649558-T-C. GRCh37 (hg19) VCF-style: chr12-8802154-T-C.
Other names: c.322A>G, p.Ile108Val (NM_001297709.2); c.286A>G, p.Ile96Val (NM_001297710.2); c.277A>G, p.Ile93Val (NM_001297711.2); c.218-1355A>G (NM_001297712.2); short protein forms I108V, I118V, I93V, I96V.
Identifiers: ClinVar variation 2448115 (VCV002448115.6), dbSNP rs770619503, ClinGen allele CA232305837.